The following is an entry in ClinVar:

NM_005267.5(GJA8):c.148T>C (p.Ser50Pro)

Gene: GJA8 (gap junction protein alpha 8; plus strand). Cytogenetic location: 1q21.2.
Variant type: single nucleotide variant.
Coding change: c.148T>C on transcript NM_005267.5 (MANE Select); coding-DNA position 148, T replaced by C.
Protein change: p.Ser50Pro; replaces serine 50 with proline.
Molecular consequence: missense variant.
Genome position (GRCh38, 1-based): chr1:147,908,103, T>C. VCF-style: chr1-147908103-T-C. GRCh37 (hg19) VCF-style: chr1-147380230-T-C.
Other names: short protein forms S50P.
Identifiers: ClinVar variation 1992628 (VCV001992628.4), dbSNP rs1651877524, ClinGen allele CA342223321.

ClinVar aggregate classification (germline): Uncertain significance (1 of 4 stars; one submission).

Conditions:
Cataract 1 multiple types. Also called: CATARACT 1, NUCLEAR PROGRESSIVE; CATARACT 1, POSTERIOR SUBCAPSULAR, WITH MICROCORNEA; CATARACT 1, STELLATE NUCLEAR, WITH MICROCORNEA; CATARACT 1 WITH MICROCORNEA; CATARACT 1, MULTIPLE TYPES, WITH OR WITHOUT MICROCORNEA; CATARACT, DUFFY-LINKED. Identifiers: Orphanet 1377, MedGen C1861828, MONDO:0007285, OMIM 116200.

Submission:

Labcorp Genetics (formerly Invitae), Labcorp
Classification: Uncertain significance for Cataract 1 multiple types. Last evaluated: 2022-05-10. Review status: criteria provided, single submitter. Criteria: Invitae Variant Classification Sherloc (09022015). Collection method: clinical testing. Allele origin: germline.
Comment: This sequence change replaces serine, which is neutral and polar, with proline, which is neutral and non-polar, at codon 50 of the GJA8 protein (p.Ser50Pro). In summary, the available evidence is currently insufficient to determine the role of this variant in disease. Therefore, it has been classified as a Variant of Uncertain Significance. This variant is not present in population databases (gnomAD no frequency). This variant has not been reported in the literature in individuals affected with GJA8-related conditions. Algorithms developed to predict the effect of missense changes on protein structure and function (SIFT, PolyPhen-2, Align-GVGD) all suggest that this variant is likely to be disruptive. Experimental studies have shown that this missense change affects GJA8 function (PMID: 16611690, 18003700, 19331825).

Literature cited by the submitters: PubMed 16611690; PubMed 18003700; PubMed 19331825.